The following is an entry in ClinVar:

ClinVar aggregate classification (germline): Uncertain significance (1 of 4 stars; one submission).

Conditions:
Charcot-Marie-Tooth disease axonal type 2O. Also called: Charcot-Marie-Tooth Neuropathy Type 2O; CHARCOT-MARIE-TOOTH DISEASE, AXONAL, AUTOSOMAL DOMINANT, TYPE 2O; CHARCOT-MARIE-TOOTH NEUROPATHY, AXONAL, TYPE 2O; Charcot-Marie-Tooth disease, axonal, type 20. Identifiers: Orphanet 284232, MedGen C3280220, MONDO:0013644, OMIM 614228.

Submission:

Labcorp Genetics (formerly Invitae), Labcorp
Classification: Uncertain significance for Charcot-Marie-Tooth disease axonal type 2O. Last evaluated: 2022-10-21. Review status: criteria provided, single submitter. Criteria: Invitae Variant Classification Sherloc (09022015). Collection method: clinical testing. Allele origin: germline.
Comment: In summary, the available evidence is currently insufficient to determine the role of this variant in disease. Therefore, it has been classified as a Variant of Uncertain Significance. This variant has not been reported in the literature in individuals affected with DYNC1H1-related conditions. This variant is not present in population databases (gnomAD no frequency). This sequence change disrupts the translational stop signal of the DYNC1H1 mRNA. It is expected to extend the length of the DYNC1H1 protein by 21 additional amino acid residues.

NM_001376.5(DYNC1H1):c.13939T>G (p.Ter4647Glu)

Gene: DYNC1H1 (dynein cytoplasmic 1 heavy chain 1; plus strand). Cytogenetic location: 14q32.31.
Variant type: single nucleotide variant.
Coding change: c.13939T>G on transcript NM_001376.5 (MANE Select); coding-DNA position 13939, T replaced by G.
Protein change: p.Ter4647Glu.
Molecular consequence: stop lost.
Genome position (GRCh38, 1-based): chr14:102,050,561, T>G. VCF-style: chr14-102050561-T-G. GRCh37 (hg19) VCF-style: chr14-102516898-T-G.
Identifiers: ClinVar variation 2036466 (VCV002036466.4), dbSNP rs2503893867, ClinGen allele CA391052837.